The following is an entry in ClinVar:

NM_000329.3(RPE65):c.1336A>G (p.Arg446Gly)

Gene: RPE65 (retinoid isomerohydrolase RPE65; minus strand). Cytogenetic location: 1p31.3.
Variant type: single nucleotide variant.
Coding change: c.1336A>G on transcript NM_000329.3 (MANE Select); coding-DNA position 1336, A replaced by G.
Protein change: p.Arg446Gly; replaces arginine 446 with glycine.
Molecular consequence: missense variant.
Genome position (GRCh38, 1-based): chr1:68,431,284, T>C on the plus strand (A>G on the coding strand, the complement: RPE65 is on the minus strand). VCF-style: chr1-68431284-T-C. GRCh37 (hg19) VCF-style: chr1-68896967-T-C.
Other names: p.Arg446Gly; c.1228A>G, p.Arg410Gly (NM_001406853.1); c.1060A>G, p.Arg354Gly (NM_001406856.1, NM_001406857.1); short protein forms R354G, R410G, R446G.
Identifiers: ClinVar variation 4849653 (VCV004849653.2).

ClinVar aggregate classification (germline): Likely pathogenic. Review status: criteria provided, multiple submitters, no conflicts (2 of 4 stars). 2 submissions from 2 submitters: Likely pathogenic (2). Last evaluated 2026-03-01.

Conditions:
RPE65-related disorder. Also called: RPE65-related condition; RPE65-related disorders. Identifiers: MedGen CN239301.
Retinitis pigmentosa 20 (RP20). Identifiers: Orphanet 791, MedGen C3151086, MONDO:0013425, OMIM 613794.

Submissions (2):

Medical Molecular Genetics Department, National Research Center
Classification: Likely pathogenic for Retinitis pigmentosa 20. Last evaluated: 2026-03-01. Review status: criteria provided, single submitter. Criteria: ACMG Guidelines, 2015. Collection method: research. Allele origin: germline. Affected: yes. Observed: 1 variant allele.
Comment: RPE65 c.1336A>G (p.Arg446Gly): Absent from gnomAD. Novel missense in substrate-binding domain. Compound heterozygous with pathogenic c.1102T>C. CADD=25.6, REVEL=0.78 (damaging). Seven of eight predictors pathogenic. Segregates with autosomal recessive RP. Classified Likely pathogenic (PM1,PM2,PP2,PP3)

Blueprint Genetics
Classification: Likely pathogenic for RPE65-related disorders. Last evaluated: 2024-07-23. Review status: criteria provided, single submitter. Criteria: ACMG Guidelines, 2015. Collection method: clinical testing. Allele origin: germline. Affected: yes. Observed: 3 variant alleles.